The following is an entry in ClinVar:

ClinVar aggregate classification (germline): Likely benign. Review status: criteria provided, multiple submitters, no conflicts (2 of 4 stars). 2 submissions from 2 submitters: Likely benign (2). Last evaluated 2025-08-01.

gnomAD v4.1: 31 of 1,210,347 alleles (0.0026%); highest among the groups gnomAD compares: Non-Finnish European, 0.0031%; no homozygotes.

Submissions (2):

CeGaT Center for Human Genetics Tuebingen
Classification: Likely benign. Last evaluated: 2025-08-01. Review status: criteria provided, single submitter. Criteria: CeGaT Center For Human Genetics Tuebingen Variant Classification Criteria Version 2. Collection method: clinical testing. Allele origin: germline. Affected: yes. Observed: 1 variant allele.
Comment: PORCN: BP4, BP7, BS2

Labcorp Genetics (formerly Invitae), Labcorp
Classification: Likely benign. Last evaluated: 2025-02-19. Review status: criteria provided, single submitter. Criteria: Invitae Variant Classification Sherloc (09022015). Collection method: clinical testing. Allele origin: germline.

NM_203475.3(PORCN):c.795G>A (p.Thr265=)

Gene: PORCN (porcupine O-acyltransferase; plus strand). Cytogenetic location: Xp11.23.
Variant type: single nucleotide variant.
Coding change: c.795G>A on transcript NM_203475.3 (MANE Select); coding-DNA position 795, G replaced by A.
Protein change: p.Thr265=; no amino-acid change (threonine 265 retained).
Molecular consequence: synonymous variant. On other transcripts: non-coding transcript variant (2).
Genome position (GRCh38, 1-based): chrX:48,514,315, G>A. VCF-style: chrX-48514315-G-A. GRCh37 (hg19) VCF-style: chrX-48372703-G-A.
Other names: c.867G>A, p.Thr289= (NM_001441335.1); c.954G>A, p.Thr318= (NM_001441336.1); c.762G>A, p.Thr254= (NM_022825.4); c.780G>A, p.Thr260= (NM_203473.3); c.777G>A, p.Thr259= (NM_203474.1); c.549G>A, p.Thr183= (NM_001282167.2); c.1119G>A, p.Thr373= (NM_001441333.1); c.1101G>A, p.Thr367= (NM_001441334.1).
Identifiers: ClinVar variation 4083917 (VCV004083917.9).